The following is an entry in ClinVar:

NM_198578.4(LRRK2):c.1966C>T (p.Leu656Phe)

Gene: LRRK2 (leucine rich repeat kinase 2; plus strand). Cytogenetic location: 12q12.
Variant type: single nucleotide variant.
Coding change: c.1966C>T on transcript NM_198578.4 (MANE Select); coding-DNA position 1966, C replaced by T.
Protein change: p.Leu656Phe; replaces leucine 656 with phenylalanine.
Molecular consequence: missense variant.
Genome position (GRCh38, 1-based): chr12:40,277,912, C>T. VCF-style: chr12-40277912-C-T. GRCh37 (hg19) VCF-style: chr12-40671714-C-T.
Other names: short protein forms L656F.
Identifiers: ClinVar variation 1783528 (VCV001783528.2), dbSNP rs1194888702, ClinGen allele CA384404404.
Genomic context (GRCh38, chr12:40,277,912, plus strand): 5'-TTGCTTATTTTATTATTTTTTTTCTTATACTTTTAGGGATTTCAGACAATCTTAGCAATC[C>T]TCAAATTGTCAGCATCTTTTTCTAAGCTGCTGGTGCATCATTCATTTGACTTAGTAATAT-3'
Protein context (NP_940980.4, residues 646-666): TKGFQTILAI[Leu656Phe]KLSASFSKLL

ClinVar aggregate classification (germline): Uncertain significance (1 of 4 stars; one submission).

Conditions:
Inborn genetic diseases. Identifiers: MedGen C0950123, MeSH D030342.

Allele frequency attached by ClinVar (database versions not stated): gnomAD exomes below 0.00001.
gnomAD v4.1: 1 of 1,610,464 alleles (0.000062%); highest among the groups gnomAD compares: East Asian, 0.0022%; no homozygotes.

Submission:

Ambry Genetics
Classification: Uncertain significance for Inborn genetic diseases. Last evaluated: 2021-10-13. Review status: criteria provided, single submitter. Criteria: Ambry Variant Classification Scheme 2023. Collection method: clinical testing. Allele origin: germline.
Comment: The p.L656F variant (also known as c.1966C>T), located in coding exon 17 of the LRRK2 gene, results from a C to T substitution at nucleotide position 1966. The leucine at codon 656 is replaced by phenylalanine, an amino acid with highly similar properties. This amino acid position is conserved. In addition, this alteration is predicted to be tolerated by in silico analysis. Since supporting evidence is limited at this time, the clinical significance of this alteration remains unclear.